The following is an entry in ClinVar:

ClinVar aggregate classification (germline): Pathogenic (1 of 4 stars; one submission).

Submission:

Quest Diagnostics Nichols Institute San Juan Capistrano
Classification: Pathogenic. Last evaluated: 2021-12-13. Review status: criteria provided, single submitter. Criteria: ACMG/ClinGen CNV Guidelines, 2019. Collection method: clinical testing. Allele origin: unknown.
Comment: The copy number loss of 2q32.1q33.1 involves numerous protein-coding genes, including COL3A1 (OMIM 120180) and STAT1 (OMIM 600555), and is expected to cause phenotypic and/or developmental abnormalities. Heterozygous loss-of-function variants of COL3A1, including partial and whole-gene deletions, are associated with autosomal dominant vascular-type Ehlers-Danlos syndrome (OMIM 130050, Meienberg 2010, Legrand 2019, Frank 2015, Ritelli 2020), which is characterized by the major complications of arterial and bowel rupture, uterine rupture during pregnancy, and clinical features of easy bruising, thin skin with visible veins, and characteristic facial features. Additionally, biallelic pathogenic variants of COL3A1 are associated with autosomal recessive polymicrogyria with or without vascular-type Ehlers-Danlos syndrome (OMIM 618343), which is highly variable and characterized by polymicrogyria and other variable structural brain anomalies on imaging, with only some patients showing developmental delay and/or seizures. Similarly, only some patients have connective tissue defects that particularly affect the vascular system and can result in early death. Furthermore, heterozygous missense variants of STAT1 are associated with autosomal dominant immunodeficiency type 31A (OMIM 614892), which is characterized by a predisposition to mycobacterial infections. Pathogens reported in IMD31A patients include bacillus Calmette-Guerin (BCG) and Mycobacterium avium complex, as well as Mycobacterium tuberculosis. IMD31A has low penetrance and a mild clinical phenotype with good prognosis for recovery. Heterozygous missense variants of STAT1 are also associated with autosomal dominant immunodeficiency 31C (OMIM 614162), which usually presents in infancy or early childhood with chronic mucocutaneous candidiasis (CMC). Other highly variable features include recurrent bacterial, viral, fungal, and mycoplasmal infections, disseminated dimorphic fungal infections, enteropathy with villous atrophy, and autoimmune disorders, such as hypothyroidism or diabetes mellitus. Additionally, biallelic pathogenic variants of STAT1 are associated with autosomal recessive immunodeficiency 31B (OMIM 613796), which is characterized by susceptibility to mycobacteria, Salmonella, and viruses, with a severe disease course and often fatal outcome. Given the established association of hemizygous deletions of this locus with a clinical phenotype and the absence of similar copy number gains of this region in the general populations of the Database of Genomic Variants, and based on size and gene content, this copy number loss is interpreted as pathogenic. References: Meienberg et al., Eur J Hum Genet. 2010 Dec;18(12):1315-21. PMID: 20648054 Legrand et al., Genet Med. 2019 Jul;21(7):1568-1575. PMID: 30474650 Frank et al., Eur J Hum Genet. 2015 Dec;23(12):1657-64. PMID: 25758994 Ritelli et al., Clin Genet. 2020 Feb;97(2):287-295. PMID: 31600821

GRCh37/hg19 2q32.1-33.1(chr2:187152754-199960525)x1

Genes: ANKAR (ankyrin and armadillo repeat containing; plus strand), ANKRD44 (ankyrin repeat domain 44; minus strand), ASNSD1 (asparagine synthetase domain containing 1; plus strand), BOLL (boule homolog, RNA binding protein; minus strand), C2orf66 (chromosome 2 open reading frame 66; minus strand) and 45 more. Cytogenetic location: 2q32.1-33.1.
Variant type: copy number loss.
Change: copy number 1 (one copy instead of two) of chr2:187,152,754-199,960,525 (12.81 Mb, GRCh37 coordinates, 1-based), cytogenetic band 2q32.1-33.1.
Identifiers: ClinVar variation 1807826 (VCV001807826.1).